The following is an entry in ClinVar:

ClinVar aggregate classification (germline): Uncertain significance. Review status: criteria provided, multiple submitters, no conflicts (2 of 4 stars). 4 submissions from 4 submitters: Uncertain significance (3). 1 of the submissions does not count toward it. Last evaluated 2024-08-20.

Conditions:
Intellectual developmental disorder, FRA12A type. Also called: Intellectual disability, FRA12A type. Identifiers: MedGen C1969893, MONDO:0007634, OMIM 136630.
Inborn genetic diseases. Identifiers: MedGen C0950123, MeSH D030342.
Hereditary spastic paraplegia 49 (HSAN9). Also called: TECPR2-Related Hereditary Sensory and Autonomic Neuropathy with Intellectual Disability; NEUROPATHY, HEREDITARY SENSORY AND AUTONOMIC, TYPE IX, WITH DEVELOPMENTAL DELAY; Spastic paraplegia 49, autosomal recessive. Identifiers: Orphanet 320385, MedGen C5190860, MONDO:0014016, OMIM 615031.

Allele frequency attached by ClinVar (database versions not stated): TOPMed 0.00002; gnomAD 0.00013; ESP Exome Variant Server 0.00015.
gnomAD v4.1: 59 of 1,614,176 alleles (0.0037%); highest among the groups gnomAD compares: East Asian, 0.029%; no homozygotes.

Submissions (4):

Ambry Genetics
Classification: Uncertain significance for Inborn genetic diseases. Last evaluated: 2024-08-20. Review status: criteria provided, single submitter. Criteria: Ambry Variant Classification Scheme 2023. Collection method: clinical testing. Allele origin: germline.

Labcorp Genetics (formerly Invitae), Labcorp
Classification: Uncertain significance for Hereditary spastic paraplegia 49. Last evaluated: 2022-04-19. Review status: criteria provided, single submitter. Criteria: Invitae Variant Classification Sherloc (09022015). Collection method: clinical testing. Allele origin: germline.
Comment: This sequence change replaces tyrosine, which is neutral and polar, with cysteine, which is neutral and slightly polar, at codon 18 of the TECPR2 protein (p.Tyr18Cys). This variant is present in population databases (rs150645913, gnomAD 0.02%). This variant has not been reported in the literature in individuals affected with TECPR2-related conditions. ClinVar contains an entry for this variant (Variation ID: 408913). Algorithms developed to predict the effect of missense changes on protein structure and function are either unavailable or do not agree on the potential impact of this missense change (SIFT: "Deleterious"; PolyPhen-2: "Possibly Damaging"; Align-GVGD: "Class C0"). In summary, the available evidence is currently insufficient to determine the role of this variant in disease. Therefore, it has been classified as a Variant of Uncertain Significance.

Genomic Research Center, Shahid Beheshti University of Medical Sciences
Classification: Uncertain significance for Mental retardation, fra12a type. Last evaluated: 2019-01-01. Review status: criteria provided, single submitter. Criteria: ACMG Guidelines, 2015. Collection method: clinical testing. Allele origin: inherited. Affected: yes. Observed: 1 variant allele.

Natera, Inc.
Classification: Uncertain significance for Autosomal recessive spastic paraplegia type 49. Last evaluated: 2020-02-21. Review status: no assertion criteria provided. Collection method: clinical testing. Allele origin: germline. Not counted in ClinVar's aggregate classification.

NM_014844.5(TECPR2):c.53A>G (p.Tyr18Cys)

Gene: TECPR2 (tectonin beta-propeller repeat containing 2; plus strand). Cytogenetic location: 14q32.31.
Variant type: single nucleotide variant.
Coding change: c.53A>G on transcript NM_014844.5 (MANE Select); coding-DNA position 53, A replaced by G.
Protein change: p.Tyr18Cys; replaces tyrosine 18 with cysteine.
Molecular consequence: missense variant.
Genome position (GRCh38, 1-based): chr14:102,376,774, A>G. VCF-style: chr14-102376774-A-G. GRCh37 (hg19) VCF-style: chr14-102843111-A-G.
Other names: c.53A>G, p.Tyr18Cys (NM_001172631.3); short protein forms Y18C.
Identifiers: ClinVar variation 408913 (VCV000408913.14), dbSNP rs150645913, ClinGen allele CA7357320.